The following is an entry in ClinVar:

NM_018668.5(VPS33B):c.240-1G>C

Gene: VPS33B (VPS33B late endosome and lysosome associated; minus strand). Cytogenetic location: 15q26.1.
Variant type: single nucleotide variant.
Coding change: c.240-1G>C on transcript NM_018668.5 (MANE Select); the canonical splice acceptor site of the intron before coding-DNA position 240, G replaced by C.
Molecular consequence: splice acceptor variant.
Genome position (GRCh38, 1-based): chr15:91,014,434, C>G on the plus strand (G>C on the coding strand, the complement: VPS33B is on the minus strand). VCF-style: chr15-91014434-C-G. GRCh37 (hg19) VCF-style: chr15-91557664-C-G.
Other names: c.159-1G>C (NM_001289148.1); c.-34-1G>C (NM_001289149.1); c.240-1G>C (NM_018668.4).
Identifiers: ClinVar variation 1701813 (VCV001701813.5), dbSNP rs1360462093, ClinGen allele CA393860824.

ClinVar aggregate classification (germline): Pathogenic/Likely pathogenic. Review status: criteria provided, multiple submitters, no conflicts (2 of 4 stars). 4 submissions from 4 submitters: Pathogenic (1); Likely pathogenic (2). 1 of the submissions does not count toward it. Last evaluated 2025-12-04.

Conditions:
Keratoderma-ichthyosis-deafness syndrome, autosomal recessive (KDIDAR). Identifiers: MedGen C5774200, MONDO:0859278, OMIM 620009.
Arthrogryposis, renal dysfunction, and cholestasis 1 (ARCS1). Identifiers: Orphanet 2697, MedGen C1859722, MONDO:0008822, OMIM 208085.
Cholestasis, progressive familial intrahepatic, 12 (PFIC12). Also called: CHOLESTASIS, ISOLATED LOW-GGT. Identifiers: MedGen C5774311, MONDO:0031040, OMIM 620010.
VPS33B-related disorder. Also called: VPS33B-related condition.

Allele frequency attached by ClinVar (database versions not stated): gnomAD exomes below 0.00001 and 0.00001; gnomAD 0.00001.
gnomAD v4.1: 11 of 1,611,636 alleles (0.00068%); highest among the groups gnomAD compares: Non-Finnish European, 0.00076%; no homozygotes.

Submissions (4):

PreventionGenetics, part of Exact Sciences
Classification: Likely pathogenic for VPS33B-related condition. Last evaluated: 2025-12-04. Review status: criteria provided, single submitter. Criteria: ACMG Guidelines, 2015. Collection method: clinical testing. Allele origin: germline.
Comment: The VPS33B c.240-1G>C variant is predicted to disrupt the AG splice acceptor site and interfere with normal splicing. This variant has been reported in the compound heterozygous state in an individual with palmoplantar hyperkeratosis, sensorineural hearing loss, and neurological features (Patient S12 in Supplemental Table 4a, Seidl-Philipp et al. 2020. PubMed ID: 31642606; Patient 3 in Gruber et al. 2017. PubMed ID: 28017832; both citations reference the same patient). This variant has also been reported in an individual from an arthrogryposis, renal dysfunction and cholestasis (ARC) cohort (Patient ID: VPS33B_00233 in Smith et al. 2012. PubMed ID: 22753090). This variant is reported in 0.00088% of alleles in individuals of European (Non-Finnish) descent in gnomAD. Variants that disrupt the consensus splice acceptor site in VPS33B are expected to be pathogenic. This variant is interpreted as likely pathogenic.

Labcorp Genetics (formerly Invitae), Labcorp
Classification: Pathogenic. Last evaluated: 2024-02-28. Review status: criteria provided, single submitter. Criteria: Invitae Variant Classification Sherloc (09022015). Collection method: clinical testing. Allele origin: germline.
Comment: This sequence change affects an acceptor splice site in intron 3 of the VPS33B gene. It is expected to disrupt RNA splicing. Variants that disrupt the donor or acceptor splice site typically lead to a loss of protein function (PMID: 16199547), and loss-of-function variants in VPS33B are known to be pathogenic (PMID: 15052268, 16896922). This variant is present in population databases (no rsID available, gnomAD 0.0009%). Disruption of this splice site has been observed in individuals with VPS33B-related conditions (PMID: 22753090, 25239142, 28017832, 31642606). ClinVar contains an entry for this variant (Variation ID: 1701813). Algorithms developed to predict the effect of sequence changes on RNA splicing suggest that this variant may disrupt the consensus splice site. For these reasons, this variant has been classified as Pathogenic.

Fulgent Genetics
Classification: Likely pathogenic for Arthrogryposis, renal dysfunction, and cholestasis 1; Keratoderma-ichthyosis-deafness syndrome, autosomal recessive; Cholestasis, progressive familial intrahepatic, 12. Last evaluated: 2024-01-03. Review status: criteria provided, single submitter. Criteria: ACMG Guidelines, 2015. Collection method: clinical testing. Allele origin: germline.

OMIM
Classification: Pathogenic for KERATODERMA-ICHTHYOSIS-DEAFNESS SYNDROME, AUTOSOMAL RECESSIVE. Last evaluated: 2022-08-18. Review status: no assertion criteria provided. Collection method: literature only. Allele origin: germline. Not counted in ClinVar's aggregate classification.

Literature cited by the submitters: PubMed 16199547 (cited by Labcorp Genetics (formerly Invitae), Labcorp); PubMed 15052268 (cited by Labcorp Genetics (formerly Invitae), Labcorp); PubMed 16896922 (cited by Labcorp Genetics (formerly Invitae), Labcorp); PubMed 22753090 (cited by Labcorp Genetics (formerly Invitae), Labcorp); PubMed 25239142 (cited by Labcorp Genetics (formerly Invitae), Labcorp); PubMed 28017832 (cited by Labcorp Genetics (formerly Invitae), Labcorp and OMIM); PubMed 31642606 (cited by Labcorp Genetics (formerly Invitae), Labcorp).